The following is an entry in ClinVar:

NM_014714.4(IFT140):c.127G>A (p.Val43Met)

Genes: IFT140 (intraflagellar transport 140; minus strand), LOC105371046 (uncharacterized LOC105371046; plus strand). Cytogenetic location: 16p13.3.
Variant type: single nucleotide variant.
Coding change: c.127G>A on transcript NM_014714.4 (MANE Select); coding-DNA position 127, G replaced by A.
Protein change: p.Val43Met; replaces valine 43 with methionine.
Molecular consequence: missense variant.
Genome position (GRCh38, 1-based): chr16:1,607,140, C>T on the plus strand (G>A on the coding strand, the complement: IFT140 is on the minus strand). VCF-style: chr16-1607140-C-T. GRCh37 (hg19) VCF-style: chr16-1657141-C-T.
Other names: c.127G>A (NM_014714.3); short protein forms V43M.
Identifiers: ClinVar variation 1477149 (VCV001477149.12), dbSNP rs150649451, ClinGen allele CA7814827.

ClinVar aggregate classification (germline): Uncertain significance. Review status: criteria provided, multiple submitters, no conflicts (2 of 4 stars). 4 submissions from 4 submitters: Uncertain significance (4). Last evaluated 2025-12-13.

Conditions:
IFT140-related disorder. Also called: IFT140-related condition.
Saldino-Mainzer syndrome (SRTD9). Also called: SHORT-RIB THORACIC DYSPLASIA 9 WITHOUT POLYDACTYLY; short-rib thoracic dysplasia 9 with or without polydactyly; CONORENAL SYNDROME; Renal dysplasia, retinal pigmentary dystrophy, cerebellar ataxia and skeletal dysplasia. Identifiers: Orphanet 140969, MedGen C1849437, MONDO:0009964, OMIM 266920.
Retinitis pigmentosa 80 (RP80). Identifiers: MedGen C4540439, MONDO:0054708, OMIM 617781.

Allele frequency attached by ClinVar (database versions not stated): ESP Exome Variant Server 0.00015; gnomAD 0.00001 and 0.00002; gnomAD exomes 0.00001; ExAC 0.00002; TOPMed 0.00002.

Submissions (4):

PreventionGenetics, part of Exact Sciences
Classification: Uncertain significance for IFT140-related condition. Last evaluated: 2025-12-13. Review status: criteria provided, single submitter. Criteria: ACMG Guidelines, 2015. Collection method: clinical testing. Allele origin: germline.
Comment: The IFT140 c.127G>A variant is predicted to result in the amino acid substitution p.Val43Met. To our knowledge, this variant has not been reported in the literature. This variant is reported in 0.0096% of alleles in individuals of Ashkenazi Jewish descent in gnomAD. At this time, the clinical significance of this variant is uncertain due to the absence of conclusive functional and genetic evidence.

Fulgent Genetics
Classification: Uncertain significance for Saldino-Mainzer syndrome; Retinitis pigmentosa 80. Last evaluated: 2024-05-21. Review status: criteria provided, single submitter. Criteria: ACMG Guidelines, 2015. Collection method: clinical testing. Allele origin: germline.

Labcorp Genetics (formerly Invitae), Labcorp
Classification: Uncertain significance for Saldino-Mainzer syndrome. Last evaluated: 2022-10-13. Review status: criteria provided, single submitter. Criteria: Invitae Variant Classification Sherloc (09022015). Collection method: clinical testing. Allele origin: germline.
Comment: Algorithms developed to predict the effect of missense changes on protein structure and function output the following: SIFT: "Tolerated"; PolyPhen-2: "Possibly Damaging"; Align-GVGD: "Class C0". The methionine amino acid residue is found in multiple mammalian species, which suggests that this missense change does not adversely affect protein function. In summary, the available evidence is currently insufficient to determine the role of this variant in disease. Therefore, it has been classified as a Variant of Uncertain Significance. ClinVar contains an entry for this variant (Variation ID: 1477149). This variant has not been reported in the literature in individuals affected with IFT140-related conditions. This variant is present in population databases (rs150649451, gnomAD 0.01%). This sequence change replaces valine, which is neutral and non-polar, with methionine, which is neutral and non-polar, at codon 43 of the IFT140 protein (p.Val43Met).

Blueprint Genetics
Classification: Uncertain significance. Last evaluated: 2022-04-04. Review status: criteria provided, single submitter. Criteria: ACMG Guidelines, 2015. Collection method: clinical testing. Allele origin: germline.